The following is an entry in ClinVar:

NM_004548.3(NDUFB10):c.131-442G>C

Gene: NDUFB10 (NADH:ubiquinone oxidoreductase subunit B10; plus strand). Cytogenetic location: 16p13.3.
Variant type: single nucleotide variant.
Coding change: c.131-442G>C on transcript NM_004548.3 (MANE Select); 442 bases into the intron before coding-DNA position 131, G replaced by C.
Molecular consequence: intron variant.
Genome position (GRCh38, 1-based): chr16:1,960,711, G>C. VCF-style: chr16-1960711-G-C. GRCh37 (hg19) VCF-style: chr16-2010712-G-C.
Identifiers: ClinVar variation 873018 (VCV000873018.4), dbSNP rs1475753965, ClinGen allele CA1139664399.

ClinVar aggregate classification (germline): Likely pathogenic (1 of 4 stars; one submission).

Conditions:
Mitochondrial complex I deficiency. Also called: NADH:Q(1) OXIDOREDUCTASE DEFICIENCY. Identifiers: Orphanet 2609, MedGen C1838979, MeSH C537475, MONDO:0100133.

Submission:

Simons Lab, The University of Queensland
Classification: Likely pathogenic for Mitochondrial complex I deficiency. Last evaluated: 2020-04-25. Review status: criteria provided, single submitter. Criteria: ACMG Guidelines, 2015. Collection method: research. Allele origin: inherited, not applicable. Inheritance: Autosomal recessive inheritance. Affected: yes. Observed: 1 homozygote.
Comment: The NM_004548.3: c.131-442G>C variant has been identified in a single family with two affected siblings with mitochondrial disease and a clinical presentation notable for global developmental delay, poor growth, sensorineural hearing loss, and brain MRI abnormalities, both with early death (Helman et al., In press). RNA sequencing of fibroblasts identified the presence of a cryptic exon in intron 1 of NDUFB10, that includes an in frame stop codon. Differential expression analysis relative to control samples suggested significantly decreased expression. The cryptic exon was found to contain a rare intronic variant, NM_004548.3:c.131-442G>C, that was homozygous in both affected siblings and is absent from population allele frequency databases. Immunoblot and quantitative proteomic analysis of fibroblasts from the older sibling revealed decreased abundance of complex I subunit proteins providing evidence of isolated complex I deficiency. Bi-allelic variants in NDUFB10 have previously been reported in a single individual with infantile-onset mitochondrial disease.